The following is an entry in ClinVar:

ClinVar aggregate classification (germline): Pathogenic (1 of 4 stars; one submission).

Conditions:
Primary ciliary dyskinesia. Also called: Ciliary dyskinesia. Identifiers: Orphanet 244, MedGen C0008780, MONDO:0016575, HP:0012265.

Submission:

Labcorp Genetics (formerly Invitae), Labcorp
Classification: Pathogenic for Primary ciliary dyskinesia. Last evaluated: 2022-03-13. Review status: criteria provided, single submitter. Criteria: Invitae Variant Classification Sherloc (09022015). Collection method: clinical testing. Allele origin: germline.
Comment: For these reasons, this variant has been classified as Pathogenic. This sequence change creates a premature translational stop signal (p.Tyr3163*) in the DNAH5 gene. It is expected to result in an absent or disrupted protein product. Loss-of-function variants in DNAH5 are known to be pathogenic (PMID: 11788826, 16627867). This variant is not present in population databases (gnomAD no frequency). This variant has not been reported in the literature in individuals affected with DNAH5-related conditions. Algorithms developed to predict the effect of sequence changes on RNA splicing suggest that this variant may disrupt the consensus splice site.

Literature cited by the submitters: PubMed 11788826; PubMed 16627867.

NM_001369.3(DNAH5):c.9489T>G (p.Tyr3163Ter)

Gene: DNAH5 (dynein axonemal heavy chain 5; minus strand). Cytogenetic location: 5p15.2.
Variant type: single nucleotide variant.
Coding change: c.9489T>G on transcript NM_001369.3 (MANE Select); coding-DNA position 9489, T replaced by G.
Protein change: p.Tyr3163Ter; replaces tyrosine 3163 with a stop codon.
Molecular consequence: nonsense.
Genome position (GRCh38, 1-based): chr5:13,770,865, A>C on the plus strand (T>G on the coding strand, the complement: DNAH5 is on the minus strand). VCF-style: chr5-13770865-A-C. GRCh37 (hg19) VCF-style: chr5-13770974-A-C.
Other names: short protein forms Y3163*.
Identifiers: ClinVar variation 1938163 (VCV001938163.5), dbSNP rs185605880, ClinGen allele CA359204700.